The following is an entry in ClinVar:

NM_002471.4(MYH6):c.4424A>G (p.Glu1475Gly)

Gene: MYH6 (myosin heavy chain 6; minus strand). Cytogenetic location: 14q11.2.
Variant type: single nucleotide variant.
Coding change: c.4424A>G on transcript NM_002471.4 (MANE Select); coding-DNA position 4424, A replaced by G.
Protein change: p.Glu1475Gly; replaces glutamic acid 1475 with glycine.
Molecular consequence: missense variant.
Genome position (GRCh38, 1-based): chr14:23,387,859, T>C on the plus strand (A>G on the coding strand, the complement: MYH6 is on the minus strand). VCF-style: chr14-23387859-T-C. GRCh37 (hg19) VCF-style: chr14-23857068-T-C.
Other names: short protein forms E1475G.
Identifiers: ClinVar variation 1424668 (VCV001424668.10), dbSNP rs749826475, ClinGen allele CA7114767.
Genomic context (GRCh38, chr14:23,387,859, plus strand): 5'-TCCAGGGACTCCTCGTAGGCGTTCTTGAGCTTGAAGAGCTCTGTGCTGAGGGAGCGAGCC[T>C]CCTTCTGTGAGGACTCCAGCTCAGACTGCGACTCCTCATACTTCTGCTTCCACTCGGCCA-3'
Protein context (NP_002462.2, residues 1465-1485): SQSELESSQK[Glu1475Gly]ARSLSTELFK

ClinVar aggregate classification (germline): Uncertain significance. Review status: criteria provided, multiple submitters, no conflicts (2 of 4 stars). 2 submissions from 2 submitters: Uncertain significance (2). Last evaluated 2024-01-29.

Conditions:
Cardiovascular phenotype. Identifiers: MedGen CN230736.
Hypertrophic cardiomyopathy 14. Identifiers: MedGen C2750467, MONDO:0013197, OMIM 613251.

Allele frequency attached by ClinVar (database versions not stated): gnomAD exomes below 0.00001 and 0.00001; ExAC 0.00001; TOPMed 0.00001.
gnomAD v4.1: 3 of 1,614,088 alleles (0.00019%); highest among the groups gnomAD compares: South Asian, 0.0022%; no homozygotes.

Submissions (2):

Ambry Genetics
Classification: Uncertain significance for Cardiovascular phenotype. Last evaluated: 2024-01-29. Review status: criteria provided, single submitter. Criteria: Ambry Variant Classification Scheme 2023. Collection method: clinical testing. Allele origin: germline.
Comment: The p.E1475G variant (also known as c.4424A>G), located in coding exon 29 of the MYH6 gene, results from an A to G substitution at nucleotide position 4424. The glutamic acid at codon 1475 is replaced by glycine, an amino acid with similar properties. This amino acid position is highly conserved in available vertebrate species. In addition, the in silico prediction for this alteration is inconclusive. Since supporting evidence is limited at this time, the clinical significance of this alteration remains unclear.

Labcorp Genetics (formerly Invitae), Labcorp
Classification: Uncertain significance for Hypertrophic cardiomyopathy 14. Last evaluated: 2023-01-25. Review status: criteria provided, single submitter. Criteria: Invitae Variant Classification Sherloc (09022015). Collection method: clinical testing. Allele origin: germline.
Comment: This sequence change replaces glutamic acid, which is acidic and polar, with glycine, which is neutral and non-polar, at codon 1475 of the MYH6 protein (p.Glu1475Gly). This variant is present in population databases (rs749826475, gnomAD 0.01%). This variant has not been reported in the literature in individuals affected with MYH6-related conditions. ClinVar contains an entry for this variant (Variation ID: 1424668). Advanced modeling of protein sequence and biophysical properties (such as structural, functional, and spatial information, amino acid conservation, physicochemical variation, residue mobility, and thermodynamic stability) performed at Invitae indicates that this missense variant is expected to disrupt MYH6 protein function. In summary, the available evidence is currently insufficient to determine the role of this variant in disease. Therefore, it has been classified as a Variant of Uncertain Significance.